The following is an entry in ClinVar:

ClinVar aggregate classification (germline): Pathogenic (1 of 4 stars; one submission).

Submission:

Labcorp Genetics (formerly Invitae), Labcorp
Classification: Pathogenic. Last evaluated: 2021-03-10. Review status: criteria provided, single submitter. Criteria: Invitae Variant Classification Sherloc (09022015). Collection method: clinical testing. Allele origin: germline.
Comment: This variant is not present in population databases (ExAC no frequency). This sequence change creates a premature translational stop signal (p.Ala3777*) in the HSPG2 gene. It is expected to result in an absent or disrupted protein product. Loss-of-function variants in HSPG2 are known to be pathogenic (PMID: 11279527, 16927315, 20542149, 23836246). This variant has not been reported in the literature in individuals with HSPG2-related conditions. For these reasons, this variant has been classified as Pathogenic.

Literature cited by the submitters: PubMed 11279527; PubMed 16927315; PubMed 20542149; PubMed 23836246.

NM_005529.7(HSPG2):c.11322_11328dup (p.Ala3777Ter)

Gene: HSPG2 (heparan sulfate proteoglycan 2; minus strand). Cytogenetic location: 1p36.12.
Variant type: Duplication.
Coding change: c.11322_11328dup on transcript NM_005529.7 (MANE Select); coding-DNA positions 11322 to 11328, 7 bases duplicated (TGACCTG; older notation c.11322_11328dupTGACCTG).
Protein change: p.Ala3777Ter; replaces alanine 3777 with a stop codon.
Molecular consequence: nonsense.
Genome position (GRCh38, 1-based): chr1:21,831,676-21,831,682, CAGGTCA duplicated on the plus strand (TGACCTG on the coding strand, the reverse complement: HSPG2 is on the minus strand); duplicating any 7 consecutive bases within chr1:21,831,676-21,831,683 gives the same sequence; the c. name uses the placement nearest the transcript's 3' end. VCF-style (leftmost placement, unchanged base first): chr1-21831675-C-CCAGGTCA. GRCh37 (hg19) VCF-style: chr1-22158168-C-CCAGGTCA.
Other names: c.11325_11331dup, p.Ala3778Ter (NM_001291860.2); short protein forms A3777*, A3778*.
Identifiers: ClinVar variation 1364613 (VCV001364613.6), dbSNP rs2152692989, ClinGen allele CA2573132168.
Genomic context (GRCh38, chr1:21,831,675, plus strand): 5'-TGAGGGCTGGAAGTAGCAGTATGGGGTTGGGTCTCACCTGGGAGGTCCCATTGACCGGGG[C>CCAGGTCA]CAGGTCACCCACAATCAGGGAGCCCTGGGTGAGGCTGCGCAGCAGGGTCACGGTGTGGAA-3'